The following is an entry in ClinVar:

ClinVar aggregate classification (germline): Uncertain significance. Review status: criteria provided, multiple submitters, no conflicts (2 of 4 stars). 3 submissions from 3 submitters: Uncertain significance (3). Last evaluated 2026-03-02.

Conditions:
Inborn genetic diseases. Identifiers: MedGen C0950123, MeSH D030342.
Dyskeratosis congenita, autosomal recessive 5 (DKCB5). Identifiers: MedGen C3554656, MONDO:0014076, OMIM 615190.
Pulmonary fibrosis and/or bone marrow failure, Telomere-related, 3. Also called: PULMONARY FIBROSIS AND/OR BONE MARROW FAILURE SYNDROME, TELOMERE-RELATED, 3. Identifiers: Orphanet 2032, MedGen C4225346, MONDO:0014613, OMIM 616373.

gnomAD v4.1: 13 of 1,612,640 alleles (0.00081%); highest among the groups gnomAD compares: Non-Finnish European, 0.001%; no homozygotes.

Submissions (3):

Ambry Genetics
Classification: Uncertain significance for Inborn genetic diseases. Last evaluated: 2026-03-02. Review status: criteria provided, single submitter. Criteria: Ambry Variant Classification Scheme 2023. Collection method: clinical testing. Allele origin: germline.

Labcorp Genetics (formerly Invitae), Labcorp
Classification: Uncertain significance for Dyskeratosis congenita, autosomal recessive 5; Pulmonary fibrosis and/or bone marrow failure, Telomere-related, 3. Last evaluated: 2025-08-06. Review status: criteria provided, single submitter. Criteria: Invitae Variant Classification Sherloc (09022015). Collection method: clinical testing. Allele origin: germline.
Comment: This sequence change replaces tryptophan, which is neutral and slightly polar, with cysteine, which is neutral and slightly polar, at codon 441 of the RTEL1 protein (p.Trp441Cys). This variant is not present in population databases (gnomAD no frequency). This variant has not been reported in the literature in individuals affected with RTEL1-related conditions. ClinVar contains an entry for this variant (Variation ID: 1411896). An algorithm developed to predict the effect of missense changes on protein structure and function (PolyPhen-2) suggests that this variant is likely to be disruptive. In summary, the available evidence is currently insufficient to determine the role of this variant in disease. Therefore, it has been classified as a Variant of Uncertain Significance.

GeneDx
Classification: Uncertain significance. Last evaluated: 2023-05-22. Review status: criteria provided, single submitter. Criteria: GeneDx Variant Classification Process June 2021. Collection method: clinical testing. Allele origin: germline. Affected: yes.
Comment: Not observed at significant frequency in large population cohorts (gnomAD); In silico analysis supports that this missense variant has a deleterious effect on protein structure/function; Has not been previously published as pathogenic or benign to our knowledge

NM_001283009.2(RTEL1):c.1323G>T (p.Trp441Cys)

Genes: RTEL1-TNFRSF6B (RTEL1-TNFRSF6B readthrough (NMD candidate); plus strand), RTEL1 (regulator of telomere elongation helicase 1; plus strand). Cytogenetic location: 20q13.33.
Variant type: single nucleotide variant.
Coding change: c.1323G>T on transcript NM_001283009.2 (MANE Select); coding-DNA position 1323, G replaced by T.
Protein change: p.Trp441Cys; replaces tryptophan 441 with cysteine.
Molecular consequence: missense variant. On other transcripts: non-coding transcript variant (1).
Genome position (GRCh38, 1-based): chr20:63,685,847, G>T. VCF-style: chr20-63685847-G-T. GRCh37 (hg19) VCF-style: chr20-62317200-G-T.
Other names: c.654G>T, p.Trp218Cys (NM_001283010.1); c.1323G>T, p.Trp441Cys (NM_016434.4); c.1395G>T, p.Trp465Cys (NM_032957.5); c.1395G>T (NM_032957.4); short protein forms W218C, W441C, W465C.
Identifiers: ClinVar variation 1411896 (VCV001411896.10), dbSNP rs2090580676, ClinGen allele CA409676075.